The following is an entry in ClinVar:

NM_002485.5(NBN):c.1492C>T (p.Pro498Ser)

Gene: NBN (nibrin; minus strand). Cytogenetic location: 8q21.3.
Variant type: single nucleotide variant.
Coding change: c.1492C>T on transcript NM_002485.5 (MANE Select); coding-DNA position 1492, C replaced by T.
Protein change: p.Pro498Ser; replaces proline 498 with serine.
Molecular consequence: missense variant.
Genome position (GRCh38, 1-based): chr8:89,953,597, G>A on the plus strand (C>T on the coding strand, the complement: NBN is on the minus strand). VCF-style: chr8-89953597-G-A. GRCh37 (hg19) VCF-style: chr8-90965825-G-A.
Other names: c.1246C>T, p.Pro416Ser (NM_001024688.3); short protein forms P416S, P498S.
Identifiers: ClinVar variation 1773815 (VCV001773815.5), dbSNP rs915825113, ClinGen allele CA371655746.

ClinVar aggregate classification (germline): Uncertain significance. Review status: criteria provided, multiple submitters, no conflicts (2 of 4 stars). 2 submissions from 2 submitters: Uncertain significance (2). Last evaluated 2025-03-19.

Conditions:
Microcephaly, normal intelligence and immunodeficiency (NBS). Also called: IMMUNODEFICIENCY, MICROCEPHALY, AND CHROMOSOMAL INSTABILITY; SEEMANOVA SYNDROME II; Nijmegen breakage syndrome; Microcephaly with normal intelligence immunodeficiency and lymphoreticular malignancies; Nonsyndromal microcephaly autosomal recessive with normal intelligence; Seemanova syndrome 2. Identifiers: Orphanet 647, MedGen C0398791, MONDO:0009623, OMIM 251260.
Hereditary cancer-predisposing syndrome. Also called: Tumor predisposition; Neoplastic Syndromes, Hereditary; Hereditary Cancer Syndrome; Hereditary neoplastic syndrome. Identifiers: Orphanet 140162, MedGen C0027672, MeSH D009386, MONDO:0015356.

Allele frequency attached by ClinVar (database versions not stated): TOPMed 0.00001.

Submissions (2):

Labcorp Genetics (formerly Invitae), Labcorp
Classification: Uncertain significance for Microcephaly, normal intelligence and immunodeficiency. Last evaluated: 2025-03-19. Review status: criteria provided, single submitter. Criteria: Invitae Variant Classification Sherloc (09022015). Collection method: clinical testing. Allele origin: germline.
Comment: This sequence change replaces proline, which is neutral and non-polar, with serine, which is neutral and polar, at codon 498 of the NBN protein (p.Pro498Ser). This variant is not present in population databases (gnomAD no frequency). This variant has not been reported in the literature in individuals affected with NBN-related conditions. ClinVar contains an entry for this variant (Variation ID: 1773815). An algorithm developed to predict the effect of missense changes on protein structure and function outputs the following: PolyPhen-2: "Benign". The serine amino acid residue is found in multiple mammalian species, which suggests that this missense change does not adversely affect protein function. In summary, the available evidence is currently insufficient to determine the role of this variant in disease. Therefore, it has been classified as a Variant of Uncertain Significance.

Ambry Genetics
Classification: Uncertain significance for Hereditary cancer-predisposing syndrome. Last evaluated: 2022-04-20. Review status: criteria provided, single submitter. Criteria: Ambry Variant Classification Scheme 2023. Collection method: clinical testing. Allele origin: germline.
Comment: The p.P498S variant (also known as c.1492C>T), located in coding exon 11 of the NBN gene, results from a C to T substitution at nucleotide position 1492. The proline at codon 498 is replaced by serine, an amino acid with similar properties. This amino acid position is not well conserved and serine is the reference amino acid in other vertebrate species. In addition, this alteration is predicted to be tolerated by in silico analysis. Since supporting evidence is limited at this time, the clinical significance of this alteration remains unclear.